The following is an entry in ClinVar:

NM_023110.3(FGFR1):c.1904A>T (p.Asn635Ile)

Gene: FGFR1 (fibroblast growth factor receptor 1; minus strand). Cytogenetic location: 8p11.23.
Variant type: single nucleotide variant.
Coding change: c.1904A>T on transcript NM_023110.3 (MANE Select); coding-DNA position 1904, A replaced by T.
Protein change: p.Asn635Ile; replaces asparagine 635 with isoleucine.
Molecular consequence: missense variant.
Genome position (GRCh38, 1-based): chr8:38,414,852, T>A on the plus strand (A>T on the coding strand, the complement: FGFR1 is on the minus strand). VCF-style: chr8-38414852-T-A. GRCh37 (hg19) VCF-style: chr8-38272370-T-A.
Other names: c.1898A>T, p.Asn633Ile (NM_001174063.2, NM_001174065.2, NM_001354367.2 and 1 more transcripts); c.1874A>T, p.Asn625Ile (NM_001174064.2); c.1637A>T, p.Asn546Ile (NM_001174066.2, NM_023105.3); c.1997A>T, p.Asn666Ile (NM_001174067.2); c.1625A>T, p.Asn542Ile (NM_001354368.2); c.1892A>T, p.Asn631Ile (NM_001354369.2); c.1631A>T, p.Asn544Ile (NM_001354370.2, NM_023106.3); short protein forms N542I, N544I, N546I, N625I, N631I, N633I, N635I, N666I.
Identifiers: ClinVar variation 1305922 (VCV001305922.2), dbSNP rs544967630, ClinGen allele CA4718238.

ClinVar aggregate classification (germline): Uncertain significance (1 of 4 stars; one submission).

Allele frequency attached by ClinVar (database versions not stated): 1000 Genomes Project 30x 0.00016; 1000 Genomes Project 0.00020.
gnomAD v4.1: 1 of 1,613,786 alleles (0.000062%); highest among the groups gnomAD compares: Non-Finnish European, 0.000085%; no homozygotes.

Submission:

GeneDx
Classification: Uncertain significance. Last evaluated: 2019-05-17. Review status: criteria provided, single submitter. Criteria: GeneDx Variant Classification Process June 2021. Collection method: clinical testing. Allele origin: germline. Affected: yes.
Comment: Not observed at a significant frequency in large population cohorts (Lek et al., 2016); In silico analysis, which includes protein predictors and evolutionary conservation, supports a deleterious effect; Has not been previously published as pathogenic or benign to our knowledge